The following is an entry in ClinVar:

NM_015559.3(SETBP1):c.2563C>A (p.Pro855Thr)

Gene: SETBP1 (SET binding protein 1; plus strand). Cytogenetic location: 18q12.3.
Variant type: single nucleotide variant.
Coding change: c.2563C>A on transcript NM_015559.3 (MANE Select); coding-DNA position 2563, C replaced by A.
Protein change: p.Pro855Thr; replaces proline 855 with threonine.
Molecular consequence: missense variant.
Genome position (GRCh38, 1-based): chr18:44,951,903, C>A. VCF-style: chr18-44951903-C-A. GRCh37 (hg19) VCF-style: chr18-42531868-C-A.
Other names: c.2563C>A, p.Pro855Thr (NM_001379141.1, NM_001379142.1); short protein forms P855T.
Identifiers: ClinVar variation 1315372 (VCV001315372.6), dbSNP rs2145105580, ClinGen allele CA402321712.

ClinVar aggregate classification (germline): Conflicting classifications of pathogenicity. Review status: criteria provided, conflicting classifications (1 of 4 stars). 4 submissions from 3 submitters: Likely pathogenic (2); Uncertain significance (2). Last evaluated 2023-07-28.

Conditions:
Schinzel-Giedion syndrome (SGS). Identifiers: Orphanet 798, MedGen C0265227, MONDO:0010010, OMIM 269150.
Intellectual developmental disorder, autosomal dominant 29. Also called: SETBP1 Haploinsufficiency Disorder; Intellectual disability, autosomal dominant 29. Identifiers: Orphanet 436151, MedGen C4015141, MONDO:0014482, OMIM 616078.

Submissions (4):

Baylor Genetics
Classification: Likely pathogenic for Intellectual developmental disorder, autosomal dominant 29. Last evaluated: 2023-07-28. Review status: criteria provided, single submitter. Criteria: ACMG Guidelines, 2015. Collection method: clinical testing. Allele origin: unknown.

Baylor Genetics
Classification: Likely pathogenic for Schinzel-Giedion syndrome. Last evaluated: 2023-07-28. Review status: criteria provided, single submitter. Criteria: ACMG Guidelines, 2015. Collection method: clinical testing. Allele origin: unknown.

Labcorp Genetics (formerly Invitae), Labcorp
Classification: Uncertain significance. Last evaluated: 2023-05-20. Review status: criteria provided, single submitter. Criteria: Invitae Variant Classification Sherloc (09022015). Collection method: clinical testing. Allele origin: germline.
Comment: In summary, the available evidence is currently insufficient to determine the role of this variant in disease. Therefore, it has been classified as a Variant of Uncertain Significance. Advanced modeling of protein sequence and biophysical properties (such as structural, functional, and spatial information, amino acid conservation, physicochemical variation, residue mobility, and thermodynamic stability) performed at Invitae indicates that this missense variant is expected to disrupt SETBP1 protein function. ClinVar contains an entry for this variant (Variation ID: 1315372). This variant has not been reported in the literature in individuals affected with SETBP1-related conditions. This variant is not present in population databases (gnomAD no frequency). This sequence change replaces proline, which is neutral and non-polar, with threonine, which is neutral and polar, at codon 855 of the SETBP1 protein (p.Pro855Thr).

GeneDx
Classification: Uncertain significance. Last evaluated: 2020-02-24. Review status: criteria provided, single submitter. Criteria: GeneDx Variant Classification Process June 2021. Collection method: clinical testing. Allele origin: germline. Affected: yes.
Comment: Not observed in large population cohorts (Lek et al., 2016); In silico analysis supports that this missense variant has a deleterious effect on protein structure/function; Has not been previously published as pathogenic or benign to our knowledge